The following is an entry in ClinVar:

NM_022726.4(ELOVL4):c.804G>A (p.Arg268=)

Gene: ELOVL4 (ELOVL fatty acid elongase 4; minus strand). Cytogenetic location: 6q14.1.
Variant type: single nucleotide variant.
Coding change: c.804G>A on transcript NM_022726.4 (MANE Select); coding-DNA position 804, G replaced by A.
Protein change: p.Arg268=; no amino-acid change (arginine 268 retained).
Molecular consequence: synonymous variant.
Genome position (GRCh38, 1-based): chr6:79,916,749, C>T on the plus strand (G>A on the coding strand, the complement: ELOVL4 is on the minus strand). VCF-style: chr6-79916749-C-T. GRCh37 (hg19) VCF-style: chr6-80626466-C-T.
Identifiers: ClinVar variation 1652998 (VCV001652998.22), dbSNP rs1399239991, ClinGen allele CA451122044.

ClinVar aggregate classification (germline): Likely benign. Review status: criteria provided, multiple submitters, no conflicts (2 of 4 stars). 2 submissions from 2 submitters: Likely benign (2). Last evaluated 2024-11-01.

Allele frequency attached by ClinVar (database versions not stated): gnomAD exomes below 0.00001; TOPMed below 0.00001.
gnomAD v4.1: 2 of 1,613,988 alleles (0.00012%); highest among the groups gnomAD compares: Admixed American, 0.0017%; no homozygotes.

Submissions (2):

CeGaT Center for Human Genetics Tuebingen
Classification: Likely benign. Last evaluated: 2024-11-01. Review status: criteria provided, single submitter. Criteria: CeGaT Center For Human Genetics Tuebingen Variant Classification Criteria Version 2. Collection method: clinical testing. Allele origin: germline. Affected: yes. Observed: 1 variant allele.
Comment: ELOVL4: BP4

Labcorp Genetics (formerly Invitae), Labcorp
Classification: Likely benign. Last evaluated: 2024-02-24. Review status: criteria provided, single submitter. Criteria: Invitae Variant Classification Sherloc (09022015). Collection method: clinical testing. Allele origin: germline.